The following is an entry in ClinVar:

NM_001267550.2(TTN):c.73767C>G (p.Tyr24589Ter)

Genes: TTN (titin; minus strand), TTN-AS1 (TTN antisense RNA 1; plus strand). Cytogenetic location: 2q31.2.
Variant type: single nucleotide variant.
Coding change: c.73767C>G on transcript NM_001267550.2 (MANE Select); coding-DNA position 73767, C replaced by G.
Protein change: p.Tyr24589Ter; replaces tyrosine 24589 with a stop codon.
Molecular consequence: nonsense.
Genome position (GRCh38, 1-based): chr2:178,572,365, G>C on the plus strand (C>G on the coding strand, the complement: TTN is on the minus strand). VCF-style: chr2-178572365-G-C. GRCh37 (hg19) VCF-style: chr2-179437092-G-C.
Other names: c.68844C>G, p.Tyr22948Ter (NM_001256850.1); c.46572C>G, p.Tyr15524Ter (NM_003319.4); c.66063C>G, p.Tyr22021Ter (NM_133378.4); c.46947C>G, p.Tyr15649Ter (NM_133432.3); c.47148C>G, p.Tyr15716Ter (NM_133437.4); short protein forms Y15716*, Y22021*, Y24589*, Y15524*, Y15649*, Y22948*.
Identifiers: ClinVar variation 3463756 (VCV003463756.1).
Genomic context (GRCh38, chr2:178,572,365, plus strand): 5'-TTCTGCGGTTTCAGCAGGCAGCCCAATGCCATATTCATTTTCTGCGAGAACCCTGAAATA[G>C]TAGCTACAGCCTTCTTGAAGCTGGTCTACCTTCCAGGAAGTCTTGTGGCAGTTTGTTGCA-3'

ClinVar aggregate classification (germline): Likely pathogenic (1 of 4 stars; one submission).

Conditions:
Cardiovascular phenotype. Identifiers: MedGen CN230736.

gnomAD v4.1: 1 of 1,612,652 alleles (0.000062%); highest among the groups gnomAD compares: Non-Finnish European, 0.000085%; no homozygotes.

Submission:

Ambry Genetics
Classification: Likely pathogenic for Cardiovascular phenotype. Last evaluated: 2024-09-05. Review status: criteria provided, single submitter. Criteria: Ambry Variant Classification Scheme 2023. Collection method: clinical testing. Allele origin: germline.
Comment: The p.Y15524* variant (also known as c.46572C>G), located in coding exon 153 of the TTN gene, results from a C to G substitution at nucleotide position 46572. This changes the amino acid from a tyrosine to a stop codon within coding exon 153. This exon is located in the A-band region of the N2-B isoform of the titin protein and is constitutively expressed in TTN transcripts (percent spliced in or PSI 100%). This variant is considered to be rare based on population cohorts in the Genome Aggregation Database (gnomAD). This alteration is expected to result in loss of function by premature protein truncation or nonsense-mediated mRNA decay. While truncating variants in TTN are present in 1-3% of the general population, truncating variants in the A-band are the most common cause of dilated cardiomyopathy (DCM) (Herman DS et al. N. Engl. J. Med., 2012 Feb;366:619-28; Roberts AM et al. Sci Transl Med, 2015 Jan;7:270ra6). TTN truncating variants encoded in constitutive exons (PSI >90%) have been found to be significantly associated with DCM regardless of their position in titin (Schafer S et al. Nat. Genet., 2017 01;49:46-53). Based on the majority of available evidence to date, this variant is likely to be pathogenic.